The following is an entry in ClinVar:

ClinVar aggregate classification (germline): Conflicting classifications of pathogenicity. Review status: criteria provided, conflicting classifications (1 of 4 stars). 7 submissions from 7 submitters: Pathogenic (4); Likely pathogenic (2); Uncertain significance (1). Last evaluated 2025-10-16.

Conditions:
Retinitis pigmentosa (RP). Identifiers: Orphanet 791, MedGen C0035334, MeSH D012174, MONDO:0019200, OMIM 268000. Inheritance: Autosomal dominant, autosomal recessive and X linked inheritance.
Retinitis pigmentosa 25 (RP25). Identifiers: Orphanet 791, MedGen C1864446, MONDO:0011272, OMIM 602772.
EYS-related disorder. Also called: EYS-related condition.
Retinal dystrophy. Also called: Inherited retinal dystrophy. Identifiers: Orphanet 71862, MedGen C0854723, MeSH D058499, MONDO:0019118, HP:0000556.

Allele frequency attached by ClinVar (database versions not stated): gnomAD exomes 0.00001 and 0.00002; TOPMed 0.00002; gnomAD 0.00003 and 0.00004.
gnomAD v4.1: 37 of 1,551,524 alleles (0.0024%); highest among the groups gnomAD compares: Non-Finnish European, 0.0029%; no homozygotes.

Submissions (7):

Natera, Inc.
Classification: Pathogenic for Retinitis pigmentosa type 25. Last evaluated: 2025-10-16. Review status: criteria provided, single submitter. Criteria: Natera Variant Classification Schema (03/2026). Collection method: clinical testing. Allele origin: germline.
Comment: The c.8834G>A variant in EYS is a missense variant predicted to cause substitution of glycine to glutamic acid at amino acid 2945. This variant is rare in the general population with a frequency below the threshold expected for the associated phenotype(s). This variant has been observed in one or more individuals affected with the associated recessive disease, as either homozygous or compound heterozygous with a second variant (PMID: 36764454, 36819107, 36600615, 34568954, 32531858, 32036094). Additionally, this variant has been observed to segregate in affected family members (PMID: 32036094, 21069908). Computational prediction algorithms indicate this variant is likely to affect gene or protein function. Given the available evidence, this variant is classified as Pathogenic.

Women's Health and Genetics/Laboratory Corporation of America, LabCorp
Classification: Pathogenic for Retinitis pigmentosa. Last evaluated: 2025-06-13. Review status: criteria provided, single submitter. Criteria: LabCorp Variant Classification Summary - May 2015. Collection method: clinical testing. Allele origin: germline.
Comment: Variant summary: EYS c.8834G>A (p.Gly2945Glu) results in a non-conservative amino acid change located in the EGF-like domain (IPR000742) of the encoded protein sequence. Algorithms developed to predict the effect of missense changes on protein structure and function all suggest that this variant is likely to be disruptive. The variant allele was found at a frequency of 1.3e-05 in 156356 control chromosomes. c.8834G>A has been observed in multiple compound heterozygous and homozygous individuals affected with Retinitis Pigmentosa (Rodriguez-Munoz_2020, Pieras_2011, Soares_2023, Panneman_2023, Isla-Magran_2023). These data indicate that the variant is very likely to be associated with disease. To our knowledge, no experimental evidence demonstrating an impact on protein function has been reported. The following publications have been ascertained in the context of this evaluation (PMID: 21069908, 21519034, 32036094, 32531858, 39742628, 36819107, 36764454). ClinVar contains an entry for this variant (Variation ID: 836062). Based on the evidence outlined above, the variant was classified as pathogenic.

Labcorp Genetics (formerly Invitae), Labcorp
Classification: Pathogenic. Last evaluated: 2025-04-17. Review status: criteria provided, single submitter. Criteria: Invitae Variant Classification Sherloc (09022015). Collection method: clinical testing. Allele origin: germline.
Comment: This sequence change replaces glycine, which is neutral and non-polar, with glutamic acid, which is acidic and polar, at codon 2945 of the EYS protein (p.Gly2945Glu). This variant is present in population databases (no rsID available, gnomAD 0.004%). This missense change has been observed in individuals with retinitis pigmentosa (PMID: 21069908, 21519034, 32036094, 32728228; internal data). It has also been observed to segregate with disease in related individuals. This variant is also known as Gly2966Glu. ClinVar contains an entry for this variant (Variation ID: 836062). Invitae Evidence Modeling of protein sequence and biophysical properties (such as structural, functional, and spatial information, amino acid conservation, physicochemical variation, residue mobility, and thermodynamic stability) indicates that this missense variant is expected to disrupt EYS protein function with a positive predictive value of 80%. For these reasons, this variant has been classified as Pathogenic.

GeneDx
Classification: Uncertain significance. Last evaluated: 2024-04-25. Review status: criteria provided, single submitter. Criteria: GeneDx Variant Classification Process June 2021. Collection method: clinical testing. Allele origin: germline. Affected: yes.
Comment: Identified in patients with EYS-related eye disorders in published literature (PMID: 32036094, 32531858, 36819107); In silico analysis supports that this missense variant has a deleterious effect on protein structure/function; This variant is associated with the following publications: (PMID: 32728228, 29159838, 21519034, 21069908, 32036094, 32531858, 31964843, 36819107, 36764454)

Baylor Genetics
Classification: Likely pathogenic for Retinitis pigmentosa 25. Last evaluated: 2024-03-26. Review status: criteria provided, single submitter. Criteria: ACMG Guidelines, 2015. Collection method: clinical testing. Allele origin: unknown.

Blueprint Genetics
Classification: Pathogenic for EYS-related disorders. Last evaluated: 2021-10-14. Review status: criteria provided, single submitter. Criteria: ACMG Guidelines, 2015. Collection method: clinical testing. Allele origin: germline. Affected: yes. Observed: 5 variant alleles.

Institute of Human Genetics, Univ. Regensburg, Univ. Regensburg
Classification: Likely pathogenic for Retinal dystrophy. Last evaluated: 2014-01-01. Review status: criteria provided, single submitter. Criteria: ACMG Guidelines, 2015. Collection method: clinical testing. Allele origin: germline. Affected: yes.

Literature cited by the submitters: PubMed 36764454 (cited by Natera, Inc. and Women's Health and Genetics/Laboratory Corporation of America, LabCorp); PubMed 36819107 (cited by 3 submitters); PubMed 36600615 (cited by Natera, Inc.); PubMed 34568954 (cited by Natera, Inc.); PubMed 32531858 (cited by 3 submitters); PubMed 32036094 (cited by 4 submitters); PubMed 21069908 (cited by 4 submitters); PubMed 21519034 (cited by Women's Health and Genetics/Laboratory Corporation of America, LabCorp and Labcorp Genetics (formerly Invitae), Labcorp); PubMed 39742628 (cited by Women's Health and Genetics/Laboratory Corporation of America, LabCorp); PubMed 32728228 (cited by Labcorp Genetics (formerly Invitae), Labcorp and Institute of Human Genetics, Univ. Regensburg, Univ. Regensburg); PubMed 31964843 (cited by Institute of Human Genetics, Univ. Regensburg, Univ. Regensburg).

NM_001142800.2(EYS):c.8834G>A (p.Gly2945Glu)

Genes: EYS (EGF-like photoreceptor maintenance factor; minus strand), PHF3 (PHD finger protein 3; plus strand). Cytogenetic location: 6q12.
Variant type: single nucleotide variant.
Coding change: c.8834G>A on transcript NM_001142800.2 (MANE Select); coding-DNA position 8834, G replaced by A.
Protein change: p.Gly2945Glu; replaces glycine 2945 with glutamic acid.
Molecular consequence: missense variant. On other transcripts: 3 prime UTR variant (5).
Genome position (GRCh38, 1-based): chr6:63,721,197, C>T on the plus strand (G>A on the coding strand, the complement: EYS is on the minus strand). VCF-style: chr6-63721197-C-T. GRCh37 (hg19) VCF-style: chr6-64431093-C-T.
Other names: c.*7489C>T (NM_001290259.2, NM_001370348.2, NM_001370349.2 and 2 more transcripts); c.8897G>A, p.Gly2966Glu (NM_001292009.2); short protein forms G2945E, G2966E.
Identifiers: ClinVar variation 836062 (VCV000836062.18), dbSNP rs1161453292, ClinGen allele CA364383871.